The following is an entry in ClinVar:

ClinVar aggregate classification (germline): Conflicting classifications of pathogenicity. Review status: criteria provided, conflicting classifications (1 of 4 stars). 2 submissions from 2 submitters: Likely pathogenic (1); Uncertain significance (1). Last evaluated 2024-09-10.

Conditions:
Focal dermal hypoplasia (FDH). Also called: Goltz syndrome. Identifiers: Orphanet 2092, MedGen C0016395, MONDO:0010592, OMIM 305600.

Submissions (2):

Clinical Genetics and Genomics, Karolinska University Hospital
Classification: Likely pathogenic for Focal dermal hypoplasia. Last evaluated: 2024-09-10. Review status: criteria provided, single submitter. Criteria: ACMG Guidelines, 2015. Collection method: clinical testing. Allele origin: de novo. Affected: yes.

Labcorp Genetics (formerly Invitae), Labcorp
Classification: Uncertain significance. Last evaluated: 2022-01-27. Review status: criteria provided, single submitter. Criteria: Invitae Variant Classification Sherloc (09022015). Collection method: clinical testing. Allele origin: germline.
Comment: In summary, the available evidence is currently insufficient to determine the role of this variant in disease. Therefore, it has been classified as a Variant of Uncertain Significance. Algorithms developed to predict the effect of missense changes on protein structure and function (SIFT, PolyPhen-2, Align-GVGD) all suggest that this variant is likely to be disruptive. This variant has not been reported in the literature in individuals affected with PORCN-related conditions. This variant is not present in population databases (gnomAD no frequency). This sequence change replaces arginine, which is basic and polar, with proline, which is neutral and non-polar, at codon 296 of the PORCN protein (p.Arg296Pro).

NM_203475.3(PORCN):c.887G>C (p.Arg296Pro)

Gene: PORCN (porcupine O-acyltransferase; plus strand). Cytogenetic location: Xp11.23.
Variant type: single nucleotide variant.
Coding change: c.887G>C on transcript NM_203475.3 (MANE Select); coding-DNA position 887, G replaced by C.
Protein change: p.Arg296Pro; replaces arginine 296 with proline.
Molecular consequence: missense variant.
Genome position (GRCh38, 1-based): chrX:48,514,566, G>C. VCF-style: chrX-48514566-G-C. GRCh37 (hg19) VCF-style: chrX-48372954-G-C.
Other names: c.641G>C, p.Arg214Pro (NM_001282167.2); c.854G>C, p.Arg285Pro (NM_022825.4); c.872G>C, p.Arg291Pro (NM_203473.3); c.869G>C, p.Arg290Pro (NM_203474.1); short protein forms R214P, R290P, R296P, R285P, R291P.
Identifiers: ClinVar variation 2090560 (VCV002090560.6), dbSNP rs2519471462, ClinGen allele CA412847051.
Genomic context (GRCh38, chrX:48,514,566, plus strand): 5'-ATATCTCTTCTGCCCCCAGGGACCTGACGGTGTCCAAGCCACTGAATGTGGAGCTGCCTC[G>C]GTCAATGGTGGAAGTTGTCACAAGCTGGAACCTGCCCATGTCTTATTGGCTAAATAACTG-3'
Protein context (NP_982301.1, residues 286-306): VSKPLNVELP[Arg296Pro]SMVEVVTSWN